The following is an entry in ClinVar:

ClinVar aggregate classification (germline): Pathogenic/Likely pathogenic. Review status: criteria provided, multiple submitters, no conflicts (2 of 4 stars). 2 submissions from 2 submitters: Pathogenic (1); Likely pathogenic (1). Last evaluated 2022-08-09.

Conditions:
CEP290-related disorder. Also called: CEP290-related condition; CEP290-related disorders. Identifiers: MedGen CN239314.
Joubert syndrome. Also called: CEREBELLOPARENCHYMAL DISORDER IV; JOUBERT-BOLTSHAUSER SYNDROME; Familial aplasia of the vermis. Identifiers: Orphanet 475, MedGen C5979921, MONDO:0018772.
Nephronophthisis. Also called: Juvenile Nephronophthisis. Identifiers: Orphanet 655, MedGen C0687120, MONDO:0019005, HP:0000090.
Meckel-Gruber syndrome. Also called: DYSENCEPHALIA SPLANCHNOCYSTICA; GRUBER SYNDROME; Dysencephalia splachnocystica. Identifiers: Orphanet 564, MedGen C0265215, MONDO:0018921.

Submissions (2):

Labcorp Genetics (formerly Invitae), Labcorp
Classification: Pathogenic for Joubert syndrome; Meckel-Gruber syndrome; Nephronophthisis. Last evaluated: 2022-08-09. Review status: criteria provided, single submitter. Criteria: Invitae Variant Classification Sherloc (09022015). Collection method: clinical testing. Allele origin: germline.
Comment: For these reasons, this variant has been classified as Pathogenic. ClinVar contains an entry for this variant (Variation ID: 1677235). This variant has not been reported in the literature in individuals affected with CEP290-related conditions. This variant is not present in population databases (gnomAD no frequency). This sequence change creates a premature translational stop signal (p.Leu1861*) in the CEP290 gene. It is expected to result in an absent or disrupted protein product. Loss-of-function variants in CEP290 are known to be pathogenic (PMID: 16909394, 17345604, 20690115).

Women's Health and Genetics/Laboratory Corporation of America, LabCorp
Classification: Likely pathogenic for CEP290-related disorder. Last evaluated: 2022-03-31. Review status: criteria provided, single submitter. Criteria: LabCorp Variant Classification Summary - May 2015. Collection method: clinical testing. Allele origin: germline.
Comment: Variant summary: CEP290 c.5582T>A (p.Leu1861X) results in a premature termination codon, predicted to cause a truncation of the encoded protein or absence of the protein due to nonsense mediated decay, which are commonly known mechanisms for disease. Truncations downstream of this position have not been observed at our laboratory but have been reported in association with CEP290-Related Disorder phenotypes such as Joubert Syndrome, Senor-Loken Syndrome, Meckel Syndrome and Leber Congenital Amaurosis the HGMD database. The variant was absent in 212692 control chromosomes. To our knowledge, no occurrence of c.5582T>A in individuals affected with CEP290-Related Disorders and no experimental evidence demonstrating its impact on protein function have been reported. No clinical diagnostic laboratories have submitted clinical-significance assessments for this variant to ClinVar after 2014. Based on the evidence outlined above, the variant was classified as likely pathogenic.

Literature cited by the submitters: PubMed 16909394 (cited by Labcorp Genetics (formerly Invitae), Labcorp); PubMed 17345604 (cited by Labcorp Genetics (formerly Invitae), Labcorp); PubMed 20690115 (cited by Labcorp Genetics (formerly Invitae), Labcorp).

NM_025114.4(CEP290):c.5582T>A (p.Leu1861Ter)

Gene: CEP290 (centrosomal protein 290; minus strand). Cytogenetic location: 12q21.32.
Variant type: single nucleotide variant.
Coding change: c.5582T>A on transcript NM_025114.4 (MANE Select); coding-DNA position 5582, T replaced by A.
Protein change: p.Leu1861Ter; replaces leucine 1861 with a stop codon.
Molecular consequence: nonsense.
Genome position (GRCh38, 1-based): chr12:88,077,701, A>T on the plus strand (T>A on the coding strand, the complement: CEP290 is on the minus strand). VCF-style: chr12-88077701-A-T. GRCh37 (hg19) VCF-style: chr12-88471478-A-T.
Other names: short protein forms L1861*.
Identifiers: ClinVar variation 1677235 (VCV001677235.6), dbSNP rs2137056192, ClinGen allele CA385988018.
Genomic context (GRCh38, chr12:88,077,701, plus strand): 5'-AAACTACTACCTCTATATTGTAAATCAGACATTATCAGAGTTAAATATAAAATTACCTGT[A>T]ATCCACTGGTTAGTCTTTTAATTTGCCTTTTCAGTTCATCATTCTCTTGATCAATTTCCT-3'